The following is an entry in ClinVar:

ClinVar aggregate classification (germline): Likely benign. Review status: criteria provided, multiple submitters, no conflicts (2 of 4 stars). 3 submissions from 3 submitters: Likely benign (3). Last evaluated 2026-05-12.

Conditions:
INF2-related disorder. Also called: INF2-related condition.
Inborn genetic diseases. Identifiers: MedGen C0950123, MeSH D030342.
Charcot-Marie-Tooth disease dominant intermediate E. Also called: CHARCOT-MARIE-TOOTH NEUROPATHY WITH FOCAL SEGMENTAL GLOMERULONEPHRITIS. Identifiers: Orphanet 93114, MedGen C4302667, MONDO:0013758, OMIM 614455.
Focal segmental glomerulosclerosis 5 (FSGS5). Identifiers: Orphanet 656, MedGen C2750475, MONDO:0013191, OMIM 613237.

Allele frequency attached by ClinVar (database versions not stated): gnomAD exomes 0.00003 and 0.00004; gnomAD 0.00006 and 0.00007; ExAC 0.00007; TOPMed 0.00007; ESP Exome Variant Server 0.00008; 1000 Genomes Project 0.00040; 1000 Genomes Project 30x 0.00047.
gnomAD v4.1: 64 of 1,593,344 alleles (0.004%); highest among the groups gnomAD compares: Admixed American, 0.017%; no homozygotes.

Submissions (3):

PreventionGenetics, part of Exact Sciences
Classification: Likely benign for INF2-related condition. Last evaluated: 2026-05-12. Review status: criteria provided, single submitter. Criteria: ACMG Guidelines, 2015. Collection method: clinical testing. Allele origin: germline.
Comment: This variant is classified as likely benign based on ACMG/AMP sequence variant interpretation guidelines (Richards et al. 2015 PMID: 25741868, with internal and published modifications).

Labcorp Genetics (formerly Invitae), Labcorp
Classification: Likely benign for Charcot-Marie-Tooth disease dominant intermediate E; Focal segmental glomerulosclerosis 5. Last evaluated: 2025-08-18. Review status: criteria provided, single submitter. Criteria: Invitae Variant Classification Sherloc (09022015). Collection method: clinical testing. Allele origin: germline.

Ambry Genetics
Classification: Likely benign for Inborn genetic diseases. Last evaluated: 2019-07-11. Review status: criteria provided, single submitter. Criteria: Ambry Variant Classification Scheme 2023. Collection method: clinical testing. Allele origin: germline.

NM_022489.4(INF2):c.3102C>T (p.Pro1034=)

Gene: INF2 (inverted formin 2; plus strand). Cytogenetic location: 14q32.33.
Variant type: single nucleotide variant.
Coding change: c.3102C>T on transcript NM_022489.4 (MANE Select); coding-DNA position 3102, C replaced by T.
Protein change: p.Pro1034=; no amino-acid change (proline 1034 retained).
Molecular consequence: synonymous variant.
Genome position (GRCh38, 1-based): chr14:104,714,264, C>T. VCF-style: chr14-104714264-C-T. GRCh37 (hg19) VCF-style: chr14-105180601-C-T.
Other names: c.3102C>T, p.Pro1034= (NM_001031714.4).
Identifiers: ClinVar variation 472849 (VCV000472849.15), dbSNP rs375864368, ClinGen allele CA7373179.
Genomic context (GRCh38, chr14:104,714,264, plus strand): 5'-GGCCACCAGTAACCCTGCAGGAGATCCCGTGGGCAGCACGCGCTGTCCCGCCTCTGAGCC[C>T]GGCCTTGATGCTACAACAGCCAGCGAGTCCCGGGGCTGGGACCTTGTAGACGCCGTGACC-3'
Protein context (NP_071934.3, residues 1024-1044): VGSTRCPASE[Pro1034=]GLDATTASES